The following is an entry in ClinVar:

ClinVar aggregate classification (germline): Likely benign. Review status: criteria provided, multiple submitters, no conflicts (2 of 4 stars). 3 submissions from 3 submitters: Likely benign (2). 1 of the submissions does not count toward it. Last evaluated 2023-02-11.

Conditions:
ARID1B-Related Disorder. Identifiers: MedGen CN381337.
Inborn genetic diseases. Identifiers: MedGen C0950123, MeSH D030342.

Allele frequency attached by ClinVar (database versions not stated): gnomAD 0.00007.
gnomAD v4.1: 20 of 1,136,070 alleles (0.0018%); highest among the groups gnomAD compares: African/African-American, 0.029%; no homozygotes.

Submissions (3):

Labcorp Genetics (formerly Invitae), Labcorp
Classification: Likely benign. Last evaluated: 2023-02-11. Review status: criteria provided, single submitter. Criteria: Invitae Variant Classification Sherloc (09022015). Collection method: clinical testing. Allele origin: germline.

Ambry Genetics
Classification: Likely benign for Inborn genetic diseases. Last evaluated: 2017-06-29. Review status: criteria provided, single submitter. Criteria: Ambry Variant Classification Scheme 2023. Collection method: clinical testing. Allele origin: germline.

PreventionGenetics, part of Exact Sciences
Classification: Likely benign for ARID1B-related condition. Last evaluated: 2019-09-10. Review status: no assertion criteria provided. Collection method: clinical testing. Allele origin: germline. Not counted in ClinVar's aggregate classification.
Comment: This variant is classified as likely benign based on ACMG/AMP sequence variant interpretation guidelines (Richards et al. 2015 PMID: 25741868, with internal and published modifications).

NM_001374828.1(ARID1B):c.1620G>T (p.Ala540=)

Gene: ARID1B (AT-rich interaction domain 1B; plus strand). Cytogenetic location: 6q25.3.
Variant type: single nucleotide variant.
Coding change: c.1620G>T on transcript NM_001374828.1 (MANE Select); coding-DNA position 1620, G replaced by T.
Protein change: p.Ala540=; no amino-acid change (alanine 540 retained).
Molecular consequence: synonymous variant.
Genome position (GRCh38, 1-based): chr6:156,779,300, G>T. VCF-style: chr6-156779300-G-T. GRCh37 (hg19) VCF-style: chr6-157100434-G-T.
Other names: c.1620G>T, p.Ala540= (NM_017519.3, NM_001371656.1, NM_001374820.1); c.1371G>T, p.Ala457= (NM_020732.3, NM_001346813.1); c.1197G>T, p.Ala399= (NM_175863.2).
Identifiers: ClinVar variation 1771060 (VCV001771060.7), dbSNP rs1309483718, ClinGen allele CA452989706.